The following is an entry in ClinVar:

ClinVar aggregate classification (germline): Likely pathogenic (1 of 4 stars; one submission).

Conditions:
Autosomal recessive nonsyndromic hearing loss 3. Also called: NEUROSENSORY NONSYNDROMIC RECESSIVE DEAFNESS 3. Identifiers: Orphanet 90636, MedGen C1838263, MONDO:0010860, OMIM 600316.

Submission:

Institute of Rare Diseases, West China Hospital, Sichuan University
Classification: Likely pathogenic for Autosomal recessive nonsyndromic hearing loss 3. Last evaluated: 2025-01-09. Review status: criteria provided, single submitter. Criteria: ClinGen HL ACMG Specifications v1. Collection method: research. Allele origin: germline. Affected: yes.
Comment: PVS1;PM2_Supporting

NM_016239.4(MYO15A):c.3305dup (p.Gly1104_Glu1105insTer)

Gene: MYO15A (myosin XVA; plus strand). Cytogenetic location: 17p11.2.
Variant type: Duplication.
Coding change: c.3305dup on transcript NM_016239.4 (MANE Select); coding-DNA position 3305, one base duplicated (A; older notation c.3305dupA).
Protein change: p.Gly1104_Glu1105insTer.
Molecular consequence: frameshift variant.
Genome position (GRCh38, 1-based): chr17:18,122,105, A duplicated; the last of 2 consecutive A bases (chr17:18,122,104-18,122,105); duplicating either gives the same sequence. VCF-style (leftmost placement, unchanged base first): chr17-18122103-C-CA. GRCh37 (hg19) VCF-style: chr17-18025417-C-CA.
Identifiers: ClinVar variation 3601285 (VCV003601285.1).
Genomic context (GRCh38, chr17:18,122,103, plus strand): 5'-GGGAACACTGCCCCAAGCCGCAGCCCCCTTGGCGCCCATCAGGGCCCCAGAGCCCCTGCC[C>CA]AAGGGGGGTGAACGGCGCCAGGCAGCCCCTGGGCGTTTTGCTGTGGTCATGCCTCGTGTG-3'